The following is an entry in ClinVar:

ClinVar aggregate classification (germline): Uncertain significance. Review status: criteria provided, multiple submitters, no conflicts (2 of 4 stars). 3 submissions from 3 submitters: Uncertain significance (3). Last evaluated 2023-12-26.

Conditions:
Inborn genetic diseases. Identifiers: MedGen C0950123, MeSH D030342.
Giant axonal neuropathy 1 (GAN1). Also called: GAN-Related Neurodegeneration; GIANT AXONAL NEUROPATHY 1, AUTOSOMAL RECESSIVE. Identifiers: Orphanet 643, MedGen C1850386, MONDO:0009749, OMIM 256850.

Allele frequency attached by ClinVar (database versions not stated): gnomAD 0.00003 and 0.00004; ExAC 0.00005; TOPMed 0.00005; gnomAD exomes 0.00006.

Submissions (3):

Ambry Genetics
Classification: Uncertain significance for Inborn genetic diseases. Last evaluated: 2023-12-26. Review status: criteria provided, single submitter. Criteria: Ambry Variant Classification Scheme 2023. Collection method: clinical testing. Allele origin: germline.

Mayo Clinic Laboratories, Mayo Clinic
Classification: Uncertain significance. Last evaluated: 2023-04-11. Review status: criteria provided, single submitter. Criteria: ACMG Guidelines, 2015. Collection method: clinical testing. Allele origin: germline. Observed: 1 variant allele.
Comment: PM2

Labcorp Genetics (formerly Invitae), Labcorp
Classification: Uncertain significance for Giant axonal neuropathy 1. Last evaluated: 2022-09-06. Review status: criteria provided, single submitter. Criteria: Invitae Variant Classification Sherloc (09022015). Collection method: clinical testing. Allele origin: germline.
Comment: This sequence change replaces aspartic acid, which is acidic and polar, with valine, which is neutral and non-polar, at codon 383 of the GAN protein (p.Asp383Val). This variant is present in population databases (rs768562044, gnomAD 0.01%). This variant has not been reported in the literature in individuals affected with GAN-related conditions. ClinVar contains an entry for this variant (Variation ID: 533936). Algorithms developed to predict the effect of missense changes on protein structure and function are either unavailable or do not agree on the potential impact of this missense change (SIFT: "Deleterious"; PolyPhen-2: "Benign"; Align-GVGD: "Class C0"). Algorithms developed to predict the effect of sequence changes on RNA splicing suggest that this variant may create or strengthen a splice site. In summary, the available evidence is currently insufficient to determine the role of this variant in disease. Therefore, it has been classified as a Variant of Uncertain Significance.

NM_022041.4(GAN):c.1148A>T (p.Asp383Val)

Gene: GAN (gigaxonin; plus strand). Cytogenetic location: 16q23.2.
Variant type: single nucleotide variant.
Coding change: c.1148A>T on transcript NM_022041.4 (MANE Select); coding-DNA position 1148, A replaced by T.
Protein change: p.Asp383Val; replaces aspartic acid 383 with valine.
Molecular consequence: missense variant.
Genome position (GRCh38, 1-based): chr16:81,363,855, A>T. VCF-style: chr16-81363855-A-T. GRCh37 (hg19) VCF-style: chr16-81397460-A-T.
Other names: p.Asp383Val; c.509A>T, p.Asp170Val (NM_001377486.1); short protein forms D383V, D170V.
Identifiers: ClinVar variation 533936 (VCV000533936.12), dbSNP rs768562044, ClinGen allele CA8191636.
Genomic context (GRCh38, chr16:81,363,855, plus strand): 5'-CAAGACATAACTTCGGAATTGTGGAGATAGATGGGATGCTGTACATTTTGGGAGGAGAGG[A>T]TGGTGAAAAGGAGCTGATTTCCATGGAGTGTTACGATATTTATTCTAAAACCTGGACAAA-3'
Protein context (NP_071324.1, residues 373-393): DGMLYILGGE[Asp383Val]GEKELISMEC